The following is an entry in ClinVar:

ClinVar aggregate classification (germline): Likely benign (1 of 4 stars; one submission).

Allele frequency attached by ClinVar (database versions not stated): ExAC 0.00013; TOPMed 0.00014; gnomAD 0.00015; ESP Exome Variant Server 0.00024.
gnomAD v4.1: 263 of 1,612,342 alleles (0.016%); highest among the groups gnomAD compares: Non-Finnish European, 0.021%; 1 homozygote.

Submission:

CeGaT Center for Human Genetics Tuebingen
Classification: Likely benign. Last evaluated: 2026-09-01. Review status: criteria provided, single submitter. Criteria: CeGaT Center For Human Genetics Tuebingen Variant Classification Criteria Version 2. Collection method: clinical testing. Allele origin: germline. Affected: yes. Observed: 4 variant alleles.
Comment: MAPK8IP3: BS2

NM_001318852.2(MAPK8IP3):c.3599G>A (p.Arg1200His)

Gene: MAPK8IP3 (mitogen-activated protein kinase 8 interacting protein 3; plus strand). Cytogenetic location: 16p13.3.
Variant type: single nucleotide variant.
Coding change: c.3599G>A on transcript NM_001318852.2 (MANE Select); coding-DNA position 3599, G replaced by A.
Protein change: p.Arg1200His; replaces arginine 1200 with histidine.
Molecular consequence: missense variant.
Genome position (GRCh38, 1-based): chr16:1,768,235, G>A. VCF-style: chr16-1768235-G-A. GRCh37 (hg19) VCF-style: chr16-1818236-G-A.
Other names: c.3578G>A, p.Arg1193His (NM_001040439.2); c.3596G>A, p.Arg1199His (NM_015133.5, NM_033392.3); short protein forms R1193H, R1199H, R1200H.
Identifiers: ClinVar variation 2645938 (VCV002645938.24), dbSNP rs200051246, ClinGen allele CA7817785.